The following is an entry in ClinVar:

NM_000760.4(CSF3R):c.845T>A (p.Val282Glu)

Gene: CSF3R (colony stimulating factor 3 receptor; minus strand). Cytogenetic location: 1p34.3.
Variant type: single nucleotide variant.
Coding change: c.845T>A on transcript NM_000760.4 (MANE Select); coding-DNA position 845, T replaced by A.
Protein change: p.Val282Glu; replaces valine 282 with glutamic acid.
Molecular consequence: missense variant.
Genome position (GRCh38, 1-based): chr1:36,472,390, A>T on the plus strand (T>A on the coding strand, the complement: CSF3R is on the minus strand). VCF-style: chr1-36472390-A-T. GRCh37 (hg19) VCF-style: chr1-36937991-A-T.
Other names: c.845T>A, p.Val282Glu (NM_156039.3, NM_172313.3); short protein forms V282E.
Identifiers: ClinVar variation 1980052 (VCV001980052.4), dbSNP rs772652591, ClinGen allele CA769358.

ClinVar aggregate classification (germline): Uncertain significance (1 of 4 stars; one submission).

Conditions:
Autosomal recessive severe congenital neutropenia due to CSF3R deficiency. Also called: Neutropenia, severe congenital, 7, autosomal recessive. Identifiers: Orphanet 420702, MedGen C4310764, MONDO:0014865, OMIM 617014.

Allele frequency attached by ClinVar (database versions not stated): TOPMed below 0.00001; ExAC 0.00001; gnomAD exomes 0.00001.
gnomAD v4.1: 4 of 1,613,934 alleles (0.00025%); highest among the groups gnomAD compares: Admixed American, 0.0067%; no homozygotes.

Submission:

Labcorp Genetics (formerly Invitae), Labcorp
Classification: Uncertain significance for Autosomal recessive severe congenital neutropenia due to CSF3R deficiency. Last evaluated: 2024-11-18. Review status: criteria provided, single submitter. Criteria: Invitae Variant Classification Sherloc (09022015). Collection method: clinical testing. Allele origin: germline.
Comment: This sequence change replaces valine, which is neutral and non-polar, with glutamic acid, which is acidic and polar, at codon 282 of the CSF3R protein (p.Val282Glu). This variant is present in population databases (rs772652591, gnomAD 0.01%). This variant has not been reported in the literature in individuals affected with CSF3R-related conditions. ClinVar contains an entry for this variant (Variation ID: 1980052). An algorithm developed to predict the effect of missense changes on protein structure and function outputs the following: PolyPhen-2: "Benign". The glutamic acid amino acid residue is found in multiple mammalian species, which suggests that this missense change does not adversely affect protein function. In summary, the available evidence is currently insufficient to determine the role of this variant in disease. Therefore, it has been classified as a Variant of Uncertain Significance.